The following is an entry in ClinVar:

NM_003002.4(SDHD):c.439G>A (p.Val147Met)

Gene: SDHD (succinate dehydrogenase complex subunit D; plus strand). Cytogenetic location: 11q23.1.
Variant type: single nucleotide variant.
Coding change: c.439G>A on transcript NM_003002.4 (MANE Select); coding-DNA position 439, G replaced by A.
Protein change: p.Val147Met; replaces valine 147 with methionine.
Molecular consequence: missense variant. On other transcripts: 3 prime UTR variant (2), non-coding transcript variant (1).
Genome position (GRCh38, 1-based): chr11:112,094,929, G>A. VCF-style: chr11-112094929-G-A. GRCh37 (hg19) VCF-style: chr11-111965653-G-A.
Other names: c.*36G>A (NM_001276503.2); c.322G>A, p.Val108Met (NM_001276504.2); c.*137G>A (NM_001276506.2); c.439G>A (NM_003002.2); short protein forms V147M, V108M.
Identifiers: ClinVar variation 857176 (VCV000857176.12), dbSNP rs1865813583, ClinGen allele CA382619424.

ClinVar aggregate classification (germline): Uncertain significance. Review status: criteria provided, multiple submitters, no conflicts (2 of 4 stars). 2 submissions from 2 submitters: Uncertain significance (2). Last evaluated 2025-02-19.

Conditions:
Paragangliomas with sensorineural hearing loss. Identifiers: MedGen C1868633.
Pheochromocytoma. Also called: MAX-Related Hereditary Paraganglioma-Pheochromocytoma Syndrome. Identifiers: Orphanet 29072, MedGen C0031511, MONDO:0008233, OMIM 171300, HP:0002666.
Cowden syndrome 3 (CWS3). Identifiers: Orphanet 201, MedGen CN166604, MONDO:0014045.
Carney-Stratakis syndrome. Also called: PARAGANGLIOMA AND GASTROINTESTINAL STROMAL TUMOR. Identifiers: Orphanet 97286, MedGen C1847319, MONDO:0011740, OMIM 606864.
Hereditary cancer-predisposing syndrome. Also called: Tumor predisposition; Hereditary neoplastic syndrome; Neoplastic Syndromes, Hereditary; Hereditary Cancer Syndrome. Identifiers: Orphanet 140162, MedGen C0027672, MeSH D009386, MONDO:0015356.

Submissions (2):

Labcorp Genetics (formerly Invitae), Labcorp
Classification: Uncertain significance for Carney-Stratakis syndrome; Paragangliomas with sensorineural hearing loss; Pheochromocytoma; Cowden syndrome 3. Last evaluated: 2025-02-19. Review status: criteria provided, single submitter. Criteria: Invitae Variant Classification Sherloc (09022015). Collection method: clinical testing. Allele origin: germline.
Comment: This sequence change replaces valine, which is neutral and non-polar, with methionine, which is neutral and non-polar, at codon 147 of the SDHD protein (p.Val147Met). This variant is not present in population databases (gnomAD no frequency). This missense change has been observed in individual(s) with paraganglioma-pheochromocytoma syndrome (PMID: 20842377). ClinVar contains an entry for this variant (Variation ID: 857176). Invitae Evidence Modeling of protein sequence and biophysical properties (such as structural, functional, and spatial information, amino acid conservation, physicochemical variation, residue mobility, and thermodynamic stability) indicates that this missense variant is expected to disrupt SDHD protein function with a positive predictive value of 95%. In summary, the available evidence is currently insufficient to determine the role of this variant in disease. Therefore, it has been classified as a Variant of Uncertain Significance.

Ambry Genetics
Classification: Uncertain significance for Hereditary cancer-predisposing syndrome. Last evaluated: 2023-12-08. Review status: criteria provided, single submitter. Criteria: Ambry Variant Classification Scheme 2023. Collection method: clinical testing. Allele origin: germline.
Comment: The p.V147M variant (also known as c.439G>A), located in coding exon 4 of the SDHD gene, results from a G to A substitution at nucleotide position 439. The valine at codon 147 is replaced by methionine, an amino acid with highly similar properties. This amino acid position is highly conserved in available vertebrate species. In addition, this alteration is predicted to be deleterious by in silico analysis. Since supporting evidence is limited at this time, the clinical significance of this alteration remains unclear.

Literature cited by the submitters: PubMed 20842377 (cited by Labcorp Genetics (formerly Invitae), Labcorp and Ambry Genetics).